The following is an entry in ClinVar:

ClinVar aggregate classification (germline): Conflicting classifications of pathogenicity. Review status: criteria provided, conflicting classifications (1 of 4 stars). 5 submissions from 5 submitters: Uncertain significance (1); Benign (1); Likely benign (3). Last evaluated 2026-07-30.

Conditions:
Hereditary cancer-predisposing syndrome. Also called: Hereditary neoplastic syndrome; Neoplastic Syndromes, Hereditary; Tumor predisposition; Hereditary Cancer Syndrome. Identifiers: Orphanet 140162, MedGen C0027672, MeSH D009386, MONDO:0015356.
Hereditary pheochromocytoma and paraganglioma. Also called: Hereditary pheochromocytoma-paraganglioma; Hereditary paragangliomas and pheochromocytomas; Hereditary Paraganglioma-Pheochromocytoma Syndromes. Identifiers: Orphanet 29072, MedGen C4274332, MONDO:0017366.
TMEM127-related disorder. Also called: TMEM127-related condition.

Allele frequency attached by ClinVar (database versions not stated): gnomAD 0.00003 and 0.00002; gnomAD exomes 0.00004 and 0.00007; ESP Exome Variant Server 0.00015; TOPMed 0.00003; ExAC 0.00004.
gnomAD v4.1: 120 of 1,613,300 alleles (0.0074%); highest among the groups gnomAD compares: Middle Eastern, 0.016%; no homozygotes.

Submissions (5):

Myriad Genetics, Inc.
Classification: Benign for Hereditary pheochromocytoma and paraganglioma. Last evaluated: 2026-07-30. Review status: criteria provided, single submitter. Criteria: Myriad Autosomal Dominant, Autosomal Recessive and X-Linked Classification Criteria (2023). Collection method: clinical testing. Allele origin: unknown.
Comment: This variant is considered benign. This variant is intronic and is not expected to impact mRNA splicing. This variant has been observed at a population frequency that is significantly greater than expected given the associated disease prevalence and penetrance.

Labcorp Genetics (formerly Invitae), Labcorp
Classification: Likely benign for Hereditary pheochromocytoma and paraganglioma. Last evaluated: 2026-01-17. Review status: criteria provided, single submitter. Criteria: Invitae Variant Classification Sherloc (09022015). Collection method: clinical testing. Allele origin: germline.

PreventionGenetics, part of Exact Sciences
Classification: Likely benign for TMEM127-related condition. Last evaluated: 2025-08-31. Review status: criteria provided, single submitter. Criteria: ACMG Guidelines, 2015. Collection method: clinical testing. Allele origin: germline.
Comment: This variant is classified as likely benign based on ACMG/AMP sequence variant interpretation guidelines (Richards et al. 2015 PMID: 25741868, with internal and published modifications).

Quest Diagnostics Nichols Institute San Juan Capistrano
Classification: Likely benign. Last evaluated: 2025-06-25. Review status: criteria provided, single submitter. Criteria: Quest Diagnostics criteria. Collection method: clinical testing. Allele origin: unknown.

Sema4
Classification: Uncertain significance for Hereditary cancer-predisposing syndrome. Last evaluated: 2021-05-20. Review status: criteria provided, single submitter. Criteria: Sema4 Curation Guidelines. Collection method: curation. Allele origin: germline.
Comment: The TMEM127 c.410-7C>T variant has not been reported in the literature to our knowledge. It was observed in 9/113074 chromosomes of the Non-Finnish European subpopulation in the large and broad cohorts of the Genome Aggregation Database (PMID: 32461654). The variant has been reported in ClinVar (Variation ID 699689). Splice site prediction tools suggest the variant does not disrupt normal splicing, however these predictions have not been confirmed by published transcriptional studies. The evidence is insufficient to meet ACMG/AMP criteria for classifying the variant as benign or pathogenic. Thus, the clinical significance of this variant is currently uncertain.

NM_017849.4(TMEM127):c.410-7C>T

Gene: TMEM127 (transmembrane protein 127; minus strand). Cytogenetic location: 2q11.2.
Variant type: single nucleotide variant.
Coding change: c.410-7C>T on transcript NM_017849.4 (MANE Select); 7 bases into the intron before coding-DNA position 410, C replaced by T.
Molecular consequence: intron variant.
Genome position (GRCh38, 1-based): chr2:96,254,122, G>A on the plus strand (C>T on the coding strand, the complement: TMEM127 is on the minus strand). VCF-style: chr2-96254122-G-A. GRCh37 (hg19) VCF-style: chr2-96919860-G-A.
Other names: c.410-7C>T (NM_001193304.3).
Identifiers: ClinVar variation 699689 (VCV000699689.15), dbSNP rs375440877, ClinGen allele CA1777308.
Genomic context (GRCh38, chr2:96,254,122, plus strand): 5'-AGATGAGTTCAGAAGCCCAATAAGAAAAGCCAATGACGGTGGCACACTGCAGAACTAGGA[G>A]ACAGAGGGACAGCACAGAAGGGGAATTAGTGAGCACTCCACAGCTAGGATGCTTGAGGAC-3'